The following is an entry in ClinVar:

NM_004612.4(TGFBR1):c.730C>G (p.Arg244Gly)

Gene: TGFBR1 (transforming growth factor beta receptor 1; plus strand). Cytogenetic location: 9q22.33.
Variant type: single nucleotide variant.
Coding change: c.730C>G on transcript NM_004612.4 (MANE Select); coding-DNA position 730, C replaced by G.
Protein change: p.Arg244Gly; replaces arginine 244 with glycine.
Molecular consequence: missense variant. On other transcripts: non-coding transcript variant (4), intron variant (2).
Genome position (GRCh38, 1-based): chr9:99,138,014, C>G. VCF-style: chr9-99138014-C-G. GRCh37 (hg19) VCF-style: chr9-101900296-C-G.
Other names: c.499C>G, p.Arg167Gly (NM_001130916.3); c.742C>G, p.Arg248Gly (NM_001306210.2, NM_001407416.1); c.730C>G, p.Arg244Gly (NM_001407417.1); c.535C>G, p.Arg179Gly (NM_001407418.1, NM_001407419.1, NM_001407420.1 and 1 more transcripts); c.523C>G, p.Arg175Gly (NM_001407423.1, NM_001407424.1, NM_001407425.1 and 8 more transcripts); c.484C>G, p.Arg162Gly (NM_001407436.1); c.253C>G, p.Arg85Gly (NM_001407438.1); c.575-4522C>G (NM_001407435.1); and 1 more; short protein forms R162G, R167G, R175G, R179G, R244G, R248G, R85G.
Identifiers: ClinVar variation 3072103 (VCV003072103.1), dbSNP rs2118718530, ClinGen allele CA374229841.
Genomic context (GRCh38, chr9:99,138,014, plus strand): 5'-TGGCGGGGAGAAGAAGTTGCTGTTAAGATATTCTCCTCTAGAGAAGAACGTTCGTGGTTC[C>G]GTGAGGCAGAGATTTATCAAACTGTAATGTTACGTCATGAAAACATCCTGGGATTTATAG-3'
Protein context (NP_004603.1, residues 234-254): FSSREERSWF[Arg244Gly]EAEIYQTVML

ClinVar aggregate classification (germline): Uncertain significance (1 of 4 stars; one submission).

Conditions:
Loeys-Dietz syndrome (LDS). Identifiers: Orphanet 60030, MedGen C2697932, MONDO:0018954.

Submission:

All of Us Research Program, National Institutes of Health
Classification: Uncertain significance for Loeys-Dietz syndrome. Last evaluated: 2023-06-28. Review status: criteria provided, single submitter. Criteria: ACMG Guidelines, 2015. Collection method: clinical testing. Allele origin: germline. Inheritance: Autosomal dominant inheritance. Observed: 1 variant allele, 1 heterozygote.
Comment: This study involves interpretation of variants in research participants for the purpose of population health screening. Participant phenotype was not available at the time of variant classification. Additional details can be found in publication PMID: 35346344, PMCID: PMC8962531